The following is an entry in ClinVar:

NM_001659.3(ARF3):c.157G>A (p.Val53Met)

Gene: ARF3 (ARF GTPase 3; minus strand). Cytogenetic location: 12q13.12.
Variant type: single nucleotide variant.
Coding change: c.157G>A on transcript NM_001659.3 (MANE Select); coding-DNA position 157, G replaced by A.
Protein change: p.Val53Met; replaces valine 53 with methionine.
Molecular consequence: missense variant. On other transcripts: intron variant (1).
Genome position (GRCh38, 1-based): chr12:48,940,099, C>T on the plus strand (G>A on the coding strand, the complement: ARF3 is on the minus strand). VCF-style: chr12-48940099-C-T. GRCh37 (hg19) VCF-style: chr12-49333882-C-T.
Other names: c.157G>A, p.Val53Met (NM_001412914.1, NM_001412915.1, NM_001412916.1 and 6 more transcripts); c.149-320G>A (NM_001412932.1); short protein forms V53M.
Identifiers: ClinVar variation 4976528 (VCV004976528.1).
Genomic context (GRCh38, chr12:48,940,099, plus strand): 5'-TGTCCTGGCCACCCACATCCCACACTGTAAAGCTGATGTTCTTATACTCCACTGTCTCCA[C>T]ATTGAACCCTTTGGAAAAAAAACAGGCAATGGCCACTTGGCCTCAAACACTAGCCCCGCA-3'
Protein context (NP_001650.1, residues 43-63): VTTIPTIGFN[Val53Met]ETVEYKNISF

ClinVar aggregate classification (germline): Uncertain significance (1 of 4 stars; one submission).

Submission:

GeneDx
Classification: Uncertain significance. Last evaluated: 2026-03-05. Review status: criteria provided, single submitter. Criteria: GeneDx Variant Classification Process June 2021. Collection method: clinical testing. Allele origin: germline.
Comment: Not observed at significant frequency in large population cohorts (gnomAD); In silico analysis supports that this missense variant has a deleterious effect on protein structure/function; Has not been previously published as pathogenic or benign to our knowledge